The following is an entry in ClinVar:

ClinVar aggregate classification (germline): Uncertain significance (1 of 4 stars; one submission).

Conditions:
Cardiovascular phenotype. Identifiers: MedGen CN230736.

Submission:

Ambry Genetics
Classification: Uncertain significance for Cardiovascular phenotype. Last evaluated: 2026-04-18. Review status: criteria provided, single submitter. Criteria: Ambry Variant Classification Scheme 2023. Collection method: clinical testing. Allele origin: germline.
Comment: The p.A1860T variant (also known as c.5578G>A), located in coding exon 22 of the AKAP9 gene, results from a G to A substitution at nucleotide position 5578. The alanine at codon 1860 is replaced by threonine, an amino acid with similar properties. This amino acid position is conserved. In addition, this alteration is predicted to be tolerated by in silico analysis. Based on the available evidence, the clinical significance of this variant remains unclear.

NM_005751.5(AKAP9):c.5578G>A (p.Ala1860Thr)

Gene: AKAP9 (A-kinase anchoring protein 9; plus strand). Cytogenetic location: 7q21.2.
Variant type: single nucleotide variant.
Coding change: c.5578G>A on transcript NM_005751.5 (MANE Select); coding-DNA position 5578, G replaced by A.
Protein change: p.Ala1860Thr; replaces alanine 1860 with threonine.
Molecular consequence: missense variant.
Genome position (GRCh38, 1-based): chr7:92,052,935, G>A. VCF-style: chr7-92052935-G-A. GRCh37 (hg19) VCF-style: chr7-91682249-G-A.
Other names: c.5578G>A, p.Ala1860Thr (NM_147185.3); short protein forms A1860T.
Identifiers: ClinVar variation 4868962 (VCV004868962.1).